The following is an entry in ClinVar:

NM_002335.4(LRP5):c.3028C>T (p.Pro1010Ser)

Gene: LRP5 (LDL receptor related protein 5; plus strand). Cytogenetic location: 11q13.2.
Variant type: single nucleotide variant.
Coding change: c.3028C>T on transcript NM_002335.4 (MANE Select); coding-DNA position 3028, C replaced by T.
Protein change: p.Pro1010Ser; replaces proline 1010 with serine.
Molecular consequence: missense variant.
Genome position (GRCh38, 1-based): chr11:68,423,489, C>T. VCF-style: chr11-68423489-C-T. GRCh37 (hg19) VCF-style: chr11-68190957-C-T.
Other names: c.3028C>T (NM_002335.2); c.1285C>T, p.Pro429Ser (NM_001291902.2); short protein forms P429S, P1010S.
Identifiers: ClinVar variation 972664 (VCV000972664.14), dbSNP rs201793593, ClinGen allele CA6149836.

ClinVar aggregate classification (germline): Uncertain significance. Review status: criteria provided, multiple submitters, no conflicts (2 of 4 stars). 5 submissions from 5 submitters: Uncertain significance (5). Last evaluated 2026-07-14.

Conditions:
LRP5-related disorder. Also called: LRP5-related condition.
Inborn genetic diseases. Identifiers: MedGen C0950123, MeSH D030342.
Osteoporosis with pseudoglioma (OPPG). Also called: osteoporosis-pseudoglioma syndrome. Identifiers: Orphanet 2788, MedGen C0432252, MONDO:0009820, OMIM 259770.
Polycystic liver disease 4 with or without kidney cysts. Identifiers: MedGen C4693479, MONDO:0044327, OMIM 617875.
Worth disease. Also called: OSTEOSCLEROSIS, AUTOSOMAL DOMINANT; ENDOSTEAL HYPEROSTOSIS, AUTOSOMAL DOMINANT; Autosomal dominant osteosclerosis, Worth type. Identifiers: Orphanet 2790, MedGen C0432273, MONDO:0007764, OMIM 144750.
Exudative vitreoretinopathy 4 (EVR4). Identifiers: Orphanet 891, MedGen C1866176, MONDO:0011151, OMIM 601813.
Bone mineral density quantitative trait locus 1 (BMND1). Identifiers: MedGen C1866079, OMIM 601884.
Autosomal dominant osteopetrosis 1 (OPTA1). Also called: OSTEOPETROSIS, AUTOSOMAL DOMINANT, TYPE I. Identifiers: Orphanet 2783, MedGen C1843330, MONDO:0011877, OMIM 607634.

Allele frequency attached by ClinVar (database versions not stated): gnomAD exomes 0.00001 and 0.00002; ExAC 0.00004; ESP Exome Variant Server 0.00008; gnomAD 0.00009 and 0.00011; TOPMed 0.00011; 1000 Genomes Project 30x 0.00016; 1000 Genomes Project 0.00020.
gnomAD v4.1: 30 of 1,613,948 alleles (0.0019%); highest among the groups gnomAD compares: Middle Eastern, 0.05%; no homozygotes.

Submissions (5):

PreventionGenetics, part of Exact Sciences
Classification: Uncertain significance for LRP5-related condition. Last evaluated: 2026-07-14. Review status: criteria provided, single submitter. Criteria: ACMG Guidelines, 2015. Collection method: clinical testing. Allele origin: germline.
Comment: The LRP5 c.3028C>T variant is predicted to result in the amino acid substitution p.Pro1010Ser. To our knowledge, this variant has not been reported in the literature. This variant is reported in 0.032% of alleles in individuals of African descent in gnomAD. At this time, the clinical significance of this variant is uncertain due to the absence of conclusive functional and genetic evidence.

Ambry Genetics
Classification: Uncertain significance for Inborn genetic diseases. Last evaluated: 2025-08-05. Review status: criteria provided, single submitter. Criteria: Ambry Variant Classification Scheme 2023. Collection method: clinical testing. Allele origin: germline.

Labcorp Genetics (formerly Invitae), Labcorp
Classification: Uncertain significance. Last evaluated: 2025-01-29. Review status: criteria provided, single submitter. Criteria: Invitae Variant Classification Sherloc (09022015). Collection method: clinical testing. Allele origin: germline.
Comment: This sequence change replaces proline, which is neutral and non-polar, with serine, which is neutral and polar, at codon 1010 of the LRP5 protein (p.Pro1010Ser). This variant is present in population databases (rs201793593, gnomAD 0.04%). This variant has not been reported in the literature in individuals affected with LRP5-related conditions. ClinVar contains an entry for this variant (Variation ID: 972664). An algorithm developed to predict the effect of missense changes on protein structure and function (PolyPhen-2) suggests that this variant¬†is likely to be tolerated. In summary, the available evidence is currently insufficient to determine the role of this variant in disease. Therefore, it has been classified as a Variant of Uncertain Significance.

Fulgent Genetics
Classification: Uncertain significance for Worth disease; Osteoporosis with pseudoglioma; Exudative vitreoretinopathy 4; Bone mineral density quantitative trait locus 1; Autosomal dominant osteopetrosis 1; Polycystic liver disease 4 with or without kidney cysts. Last evaluated: 2024-05-14. Review status: criteria provided, single submitter. Criteria: ACMG Guidelines, 2015. Collection method: clinical testing. Allele origin: germline.

GeneDx
Classification: Uncertain significance. Last evaluated: 2023-12-29. Review status: criteria provided, single submitter. Criteria: GeneDx Variant Classification Process June 2021. Collection method: clinical testing. Allele origin: germline. Affected: yes.
Comment: In silico analysis supports that this missense variant does not alter protein structure/function; Has not been previously published as pathogenic or benign to our knowledge